The following is an entry in ClinVar:

ClinVar aggregate classification (germline): Pathogenic/Likely pathogenic. Review status: criteria provided, multiple submitters, no conflicts (2 of 4 stars). 2 submissions from 2 submitters: Pathogenic (1); Likely pathogenic (1). Last evaluated 2025-03-03.

Conditions:
Smith-Lemli-Opitz syndrome (SLOS). Also called: LETHAL ACRODYSGENITAL SYNDROME; POLYDACTYLY, SEX REVERSAL, RENAL HYPOPLASIA, AND UNILOBAR LUNG; RSH SYNDROME; RUTLEDGE LETHAL MULTIPLE CONGENITAL ANOMALY SYNDROME; 7-Dehydrocholesterol reductase deficiency. Identifiers: Orphanet 818, MedGen C0175694, MONDO:0010035, OMIM 270400.

Submissions (2):

Natera, Inc.
Classification: Likely pathogenic for Smith-Lemli-Opitz syndrome. Last evaluated: 2025-03-03. Review status: criteria provided, single submitter. Criteria: Natera Variant Classification Schema (03/2026). Collection method: clinical testing. Allele origin: germline.
Comment: The c.48_78delTGGCGTCACCAATGACAGAACCGCATCTCAA variant in DHCR7 is a frameshift variant predicted to shift the reading frame beginning at codon 16 and leads to a stop codon 43 codons downstream. This variant is expected to result in nonsense mediated decay, truncation, or a dysfunctional protein product. This variant is rare in the general population with a frequency below the threshold expected for the associated phenotype(s). Given the available evidence, this variant is classified as Likely Pathogenic.

Labcorp Genetics (formerly Invitae), Labcorp
Classification: Pathogenic for Smith-Lemli-Opitz syndrome. Last evaluated: 2023-06-02. Review status: criteria provided, single submitter. Criteria: Invitae Variant Classification Sherloc (09022015). Collection method: clinical testing. Allele origin: germline.
Comment: For these reasons, this variant has been classified as Pathogenic. ClinVar contains an entry for this variant (Variation ID: 1949695). This variant has not been reported in the literature in individuals affected with DHCR7-related conditions. This variant is not present in population databases (gnomAD no frequency). This sequence change creates a premature translational stop signal (p.Asp16Glufs*43) in the DHCR7 gene. It is expected to result in an absent or disrupted protein product. Loss-of-function variants in DHCR7 are known to be pathogenic (PMID: 9634533, 10677299).

Literature cited by the submitters: PubMed 9634533 (cited by Labcorp Genetics (formerly Invitae), Labcorp); PubMed 10677299 (cited by Labcorp Genetics (formerly Invitae), Labcorp).

NM_001360.3(DHCR7):c.48_78del (p.Asp16fs)

Gene: DHCR7 (7-dehydrocholesterol reductase; minus strand). Cytogenetic location: 11q13.4.
Variant type: Deletion.
Coding change: c.48_78del on transcript NM_001360.3 (MANE Select); coding-DNA positions 48 to 78, 31 bases deleted.
Protein change: p.Asp16fs; shifts the reading frame from aspartic acid 16.
Molecular consequence: frameshift variant.
Genome position (GRCh38, 1-based): chr11:71,444,875-71,444,905, 31 bases deleted; deleting any 31 consecutive bases within chr11:71,444,875-71,444,906 gives the same sequence; the c. name uses the placement nearest the transcript's 3' end. GRCh37 (hg19): chr11:71,155,922-71,155,952.
Other names: c.48_78del, p.Asp16fs (NM_001163817.2); c.48_78delTGGCGTCACCAATGACAGAACCGCATCTCAA (NM_001360.2); short protein forms D16fs.
Identifiers: ClinVar variation 1949695 (VCV001949695.6), dbSNP rs1949389729, ClinGen allele CA939377949.
Genomic context (GRCh38, chr11:71,444,874, plus strand): 5'-ACACTTTACTTTCTAGCTGGGAGAACAGGCAAGATCCTTACCAGGCACGGCCCCACTGCC[CTTGAGATGCGGTTCTGTCATTGGTGACGCCA>C]TCTAGACTCTTGGCTTTGGGAATGTTGGGTTGCGATTTTGCAGCCATTGGGCCCTGCAAG-3'